The following is an entry in ClinVar:

NM_005477.3(HCN4):c.320GCGGCGGCA[3] (p.Gly112_Thr113insSerGlyGly)

Gene: HCN4 (hyperpolarization activated cyclic nucleotide gated potassium channel 4; minus strand). Cytogenetic location: 15q24.1.
Variant type: Microsatellite.
Coding change: c.320GCGGCGGCA[3] on transcript NM_005477.3 (MANE Select); three copies in a row of the 9-base unit GCGGCGGCA starting at c.320; the reference has two copies in a row; one copy, 9 bases duplicated.
Protein change: p.Gly112_Thr113insSerGlyGly.
Molecular consequence: inframe insertion.
Genome position (GRCh38, 1-based): chr15:73,367,934-73,367,942, TGCCGCCGC duplicated on the plus strand (GCGGCGGCA on the coding strand, the reverse complement: HCN4 is on the minus strand); duplicating any 9 consecutive bases within chr15:73,367,934-73,367,951 gives the same sequence; the position shown is the placement nearest the transcript's 3' end. VCF-style (leftmost placement, unchanged base first): chr15-73367933-G-GTGCCGCCGC. GRCh37 (hg19) VCF-style: chr15-73660274-G-GTGCCGCCGC.
Identifiers: ClinVar variation 4755309 (VCV004755309.1).

ClinVar aggregate classification (germline): Uncertain significance (1 of 4 stars; one submission).

Conditions:
Brugada syndrome 8 (BRGDA8). Identifiers: Orphanet 130, MedGen C2751083, MONDO:0013148, OMIM 613123.

Submission:

Labcorp Genetics (formerly Invitae), Labcorp
Classification: Uncertain significance for Brugada syndrome 8. Last evaluated: 2025-11-01. Review status: criteria provided, single submitter. Criteria: Invitae Variant Classification Sherloc (09022015). Collection method: clinical testing. Allele origin: germline.
Comment: This variant, c.329_337dup, results in the insertion of 3 amino acid(s) of the HCN4 protein (p.Ser110_Gly112dup), but otherwise preserves the integrity of the reading frame. This variant is not present in population databases (gnomAD no frequency). This variant has not been reported in the literature in individuals affected with HCN4-related conditions. Experimental studies and prediction algorithms are not available or were not evaluated, and the functional significance of this variant is currently unknown. In summary, the available evidence is currently insufficient to determine the role of this variant in disease. Therefore, it has been classified as a Variant of Uncertain Significance.